The following is an entry in ClinVar:

ClinVar aggregate classification (germline): Uncertain significance (1 of 4 stars; one submission).

gnomAD v4.1: 30 of 1,614,206 alleles (0.0019%); highest among the groups gnomAD compares: Non-Finnish European, 0.0025%; no homozygotes.

Submission:

Ambry Genetics
Classification: Uncertain significance. Last evaluated: 2025-10-23. Review status: criteria provided, single submitter. Criteria: Ambry Variant Classification Scheme 2023. Collection method: clinical testing. Allele origin: germline.
Comment: The p.H109R variant (also known as c.326A>G), located in coding exon 1 of the CDK12 gene, results from an A to G substitution at nucleotide position 326. The histidine at codon 109 is replaced by arginine, an amino acid with highly similar properties. This amino acid position is conserved. In addition, this alteration is predicted to be tolerated by in silico analysis. Based on the available evidence, the clinical significance of this variant remains unclear.

NM_016507.4(CDK12):c.326A>G (p.His109Arg)

Genes: CDK12 (cyclin dependent kinase 12; plus strand), LOC126862553 (CDK7 strongly-dependent group 2 enhancer GRCh37_chr17:37618166-37619365; plus strand). Cytogenetic location: 17q12.
Variant type: single nucleotide variant.
Coding change: c.326A>G on transcript NM_016507.4 (MANE Select); coding-DNA position 326, A replaced by G.
Protein change: p.His109Arg; replaces histidine 109 with arginine.
Molecular consequence: missense variant.
Genome position (GRCh38, 1-based): chr17:39,462,397, A>G. VCF-style: chr17-39462397-A-G. GRCh37 (hg19) VCF-style: chr17-37618650-A-G.
Other names: c.326A>G, p.His109Arg (NM_015083.4); short protein forms H109R.
Identifiers: ClinVar variation 4651399 (VCV004651399.1).